The following is an entry in ClinVar:

ClinVar aggregate classification (germline): Conflicting classifications of pathogenicity. Review status: criteria provided, conflicting classifications (1 of 4 stars). 2 submissions from 2 submitters: Uncertain significance (1); Likely benign (1). Last evaluated 2024-10-17.

Conditions:
Inborn genetic diseases. Identifiers: MedGen C0950123, MeSH D030342.

Allele frequency attached by ClinVar (database versions not stated): gnomAD 0.00002; gnomAD exomes 0.00002; TOPMed 0.00002; ExAC 0.00004; 1000 Genomes Project 30x 0.00016; 1000 Genomes Project 0.00020.

Submissions (2):

Blueprint Genetics
Classification: Likely benign. Last evaluated: 2024-10-17. Review status: criteria provided, single submitter. Criteria: ACMG Guidelines, 2015. Collection method: clinical testing. Allele origin: germline.

Ambry Genetics
Classification: Uncertain significance for Inborn genetic diseases. Last evaluated: 2021-01-07. Review status: criteria provided, single submitter. Criteria: Ambry Variant Classification Scheme 2023. Collection method: clinical testing. Allele origin: germline.
Comment: The c.268G>A (p.G90S) alteration is located in exon 3 (coding exon 1) of the ACSF3 gene. This alteration results from a G to A substitution at nucleotide position 268, causing the glycine (G) at amino acid position 90 to be replaced by a serine (S). The p.G90S alteration is predicted to be tolerated by in silico analysis. Based on insufficient or conflicting evidence, the clinical significance of this alteration remains unclear.

NM_001243279.3(ACSF3):c.268G>A (p.Gly90Ser)

Gene: ACSF3 (acyl-CoA synthetase family member 3; plus strand). Cytogenetic location: 16q24.3.
Variant type: single nucleotide variant.
Coding change: c.268G>A on transcript NM_001243279.3 (MANE Select); coding-DNA position 268, G replaced by A.
Protein change: p.Gly90Ser; replaces glycine 90 with serine.
Molecular consequence: missense variant. On other transcripts: non-coding transcript variant (3), intron variant (1).
Genome position (GRCh38, 1-based): chr16:89,100,949, G>A. VCF-style: chr16-89100949-G-A. GRCh37 (hg19) VCF-style: chr16-89167357-G-A.
Other names: c.268G>A, p.Gly90Ser (NM_001127214.4, NM_174917.5); c.-129-1655G>A (NM_001284316.2); short protein forms G90S.
Identifiers: ClinVar variation 2376474 (VCV002376474.3), dbSNP rs532903196, ClinGen allele CA8237594.